The following is an entry in ClinVar:

NM_000257.4(MYH7):c.5120T>C (p.Ile1707Thr)

Genes: MHRT (myosin heavy chain associated RNA transcript; plus strand), MYH7 (myosin heavy chain 7; minus strand), LOC126861897 (BRD4-independent group 4 enhancer GRCh37_chr14:23884455-23885654; plus strand). Cytogenetic location: 14q11.2.
Variant type: single nucleotide variant.
Coding change: c.5120T>C on transcript NM_000257.4 (MANE Select); coding-DNA position 5120, T replaced by C.
Protein change: p.Ile1707Thr; replaces isoleucine 1707 with threonine.
Molecular consequence: missense variant. On other transcripts: non-coding transcript variant (1).
Genome position (GRCh38, 1-based): chr14:23,415,666, A>G on the plus strand (T>C on the coding strand, the complement: MYH7 is on the minus strand). VCF-style: chr14-23415666-A-G. GRCh37 (hg19) VCF-style: chr14-23884875-A-G.
Other names: p.I1707T:ATT>ACT; c.5120T>C (LRG_384t1); short protein forms I1707T.
Identifiers: ClinVar variation 181271 (VCV000181271.11), dbSNP rs730880811, ClinGen allele CA015711.

ClinVar aggregate classification (germline): Uncertain significance. Review status: criteria provided, multiple submitters, no conflicts (2 of 4 stars). 4 submissions from 4 submitters: Uncertain significance (4). Last evaluated 2025-11-04.

Conditions:
Cardiovascular phenotype. Identifiers: MedGen CN230736.
Cardiomyopathy (CMYO). Also called: Cardiomyopathies. Identifiers: Orphanet 167848, MedGen C0878544, MONDO:0004994, HP:0001638. Inheritance: Various modes of inheritance.

Allele frequency attached by ClinVar (database versions not stated): gnomAD 0.00001; gnomAD exomes below 0.00001; TOPMed below 0.00001.
gnomAD v4.1: 7 of 1,613,832 alleles (0.00043%); highest among the groups gnomAD compares: Non-Finnish European, 0.00059%; no homozygotes.

Submissions (4):

Ambry Genetics
Classification: Uncertain significance for Cardiovascular phenotype. Last evaluated: 2025-11-04. Review status: criteria provided, single submitter. Criteria: Ambry Variant Classification Scheme 2023. Collection method: clinical testing. Allele origin: germline.
Comment: The p.I1707T variant (also known as c.5120T>C), located in coding exon 33 of the MYH7 gene, results from a T to C substitution at nucleotide position 5120. The isoleucine at codon 1707 is replaced by threonine, an amino acid with similar properties. This alteration has been reported in sudden unexplained death cohorts with limited clinical details (Santori M et al. Arch Dis Child, 2015 Oct;100:952-6; Hertz CL et al. Int J Legal Med, 2016 Jan;130:91-102). This amino acid position is not well conserved in available vertebrate species. In addition, the in silico prediction for this alteration is inconclusive. Since supporting evidence is limited at this time, the clinical significance of this alteration remains unclear.

All of Us Research Program, National Institutes of Health
Classification: Uncertain significance for Cardiomyopathy. Last evaluated: 2023-01-10. Review status: criteria provided, single submitter. Criteria: ACMG Guidelines, 2015. Collection method: clinical testing. Allele origin: germline. Inheritance: Autosomal dominant inheritance. Observed: 1 variant allele, 1 heterozygote.
Comment: This missense variant replaces isoleucine with threonine at codon 1707 of the MYH7 protein. Computational prediction suggests that this variant may not impact protein structure and function (internally defined REVEL score threshold <= 0.5, PMID: 27666373). To our knowledge, functional studies have not been reported for this variant. This variant has been reported in two individuals affected with sudden unexpected death (PMID: 26272908, 26383259). This variant has not been identified in the general population by the Genome Aggregation Database (gnomAD). The available evidence is insufficient to determine the role of this variant in disease conclusively. Therefore, this variant is classified as a Variant of Uncertain Significance.

This study involves interpretation of variants in research participants for the purpose of population health screening. Participant phenotype was not available at the time of variant classification. Additional details can be found in publication PMID: 35346344, PMCID: PMC8962531

Color Diagnostics, LLC DBA Color Health
Classification: Uncertain significance for Cardiomyopathy. Last evaluated: 2022-11-25. Review status: criteria provided, single submitter. Criteria: ACMG Guidelines, 2015. Collection method: clinical testing. Allele origin: germline.
Comment: This missense variant replaces isoleucine with threonine at codon 1707 of the MYH7 protein. Computational prediction suggests that this variant may not impact protein structure and function (internally defined REVEL score threshold <= 0.5, PMID: 27666373). To our knowledge, functional studies have not been reported for this variant. This variant has been reported in two individuals affected with sudden unexpected death (PMID: 26272908, 26383259). This variant has not been identified in the general population by the Genome Aggregation Database (gnomAD). The available evidence is insufficient to determine the role of this variant in disease conclusively. Therefore, this variant is classified as a Variant of Uncertain Significance.

GeneDx
Classification: Uncertain significance. Last evaluated: 2012-06-25. Review status: criteria provided, single submitter. Criteria: GeneDx Variant Classification (06012015). Collection method: clinical testing. Allele origin: germline. Affected: yes.
Comment: p.Ile1707Thr (ATT>ACT): c.5120 T>C in exon 35 of the MYH7 gene (NM_000257.2). The Ile1707Thr variant in the MYH7 gene has not been reported as a disease-causing mutation or as a benign polymorphism to our knowledge. Ile1707Thr results in a non-conservative amino acid substitution of a non-polar Isoleucine with a polar Threonine at a position that is conserved in mammals. The NHLBI ESP Exome Variant Server reports Ile1707Thr was not observed in approximately 5,000 samples from individuals of European and African American backgrounds, indicating it is not a common benign variant in these populations. In addition, mutations in nearby codons (Leu1706Pro, Arg1712Gln, Arg1712Trp) have been reported in association with myopathy and HCM, supporting the functional importance of this region of the protein. However, in silico analysis predicts Ile1707Thr likely has a benign effect on the protein structure/function.In summary, the clinical significance of the Ile1707Thr variant in the MYH7 gene is currently unknown. The variant is found in HCM panel(s).

Literature cited by the submitters: PubMed 26272908 (cited by 3 submitters); PubMed 26383259 (cited by 3 submitters).